The following is an entry in ClinVar:

NM_001429.4(EP300):c.6093A>G (p.Pro2031=)

Gene: EP300 (E1A binding protein p300; plus strand). Cytogenetic location: 22q13.2.
Variant type: single nucleotide variant.
Coding change: c.6093A>G on transcript NM_001429.4 (MANE Select); coding-DNA position 6093, A replaced by G.
Protein change: p.Pro2031=; no amino-acid change (proline 2031 retained).
Molecular consequence: synonymous variant.
Genome position (GRCh38, 1-based): chr22:41,177,804, A>G. VCF-style: chr22-41177804-A-G. GRCh37 (hg19) VCF-style: chr22-41573808-A-G.
Other names: c.6015A>G, p.Pro2005= (NM_001362843.2).
Identifiers: ClinVar variation 3353525 (VCV003353525.1).

ClinVar aggregate classification (germline): Likely benign (0 of 4 stars; one submission).

Conditions:
EP300-related disorder. Also called: EP300-related disorders; EP300-related condition.

Submission:

PreventionGenetics, part of Exact Sciences
Classification: Likely benign for EP300-related condition. Last evaluated: 2024-08-23. Review status: no assertion criteria provided. Collection method: clinical testing. Allele origin: germline.
Comment: This variant is classified as likely benign based on ACMG/AMP sequence variant interpretation guidelines (Richards et al. 2015 PMID: 25741868, with internal and published modifications).